The following is an entry in ClinVar:

ClinVar aggregate classification (germline): Benign/Likely benign. Review status: criteria provided, multiple submitters, no conflicts (2 of 4 stars). 11 submissions from 11 submitters: Benign (6); Likely benign (2). 3 of the submissions do not count toward it. Last evaluated 2026-07-01.

Conditions:
Left ventricular noncompaction 8 (LVNC8). Identifiers: Orphanet 154, Orphanet 54260, MedGen C3809288, MONDO:0014152, OMIM 615373.

Allele frequency attached by ClinVar (database versions not stated): 1000 Genomes Project 0.00280; 1000 Genomes Project 30x 0.00297; gnomAD exomes 0.00369 and 0.00594; ExAC 0.00382; TOPMed 0.00419; gnomAD 0.00425 and 0.00438; ESP Exome Variant Server 0.00433.
gnomAD v4.1: 9,278 of 1,613,132 alleles (0.58%); highest among the groups gnomAD compares: Non-Finnish European, 0.71%; 28 homozygotes.

Submissions (11):

CeGaT Center for Human Genetics Tuebingen
Classification: Likely benign. Last evaluated: 2026-07-01. Review status: criteria provided, single submitter. Criteria: CeGaT Center For Human Genetics Tuebingen Variant Classification Criteria Version 2. Collection method: clinical testing. Allele origin: germline. Affected: yes. Observed: 5 variant alleles.
Comment: PRDM16: BP4, BP7, BS2

Labcorp Genetics (formerly Invitae), Labcorp
Classification: Benign for Left ventricular noncompaction 8. Last evaluated: 2026-02-03. Review status: criteria provided, single submitter. Criteria: Invitae Variant Classification Sherloc (09022015). Collection method: clinical testing. Allele origin: germline.

ARUP Laboratories, Molecular Genetics and Genomics, ARUP Laboratories
Classification: Benign. Last evaluated: 2025-04-03. Review status: criteria provided, single submitter. Criteria: ARUP Molecular Germline Variant Investigation Process 2024. Collection method: clinical testing. Allele origin: germline.

Blueprint Genetics
Classification: Likely benign. Last evaluated: 2024-11-25. Review status: criteria provided, single submitter. Criteria: ACMG Guidelines, 2015. Collection method: clinical testing. Allele origin: germline.

Women's Health and Genetics/Laboratory Corporation of America, LabCorp
Classification: Benign. Last evaluated: 2023-04-09. Review status: criteria provided, single submitter. Criteria: LabCorp Variant Classification Summary - May 2015. Collection method: clinical testing. Allele origin: germline.

Mayo Clinic Laboratories, Mayo Clinic
Classification: Benign. Last evaluated: 2023-02-23. Review status: criteria provided, single submitter. Criteria: ACMG Guidelines, 2015. Collection method: clinical testing. Allele origin: germline. Observed: 4 variant alleles.
Comment: BS1, BS2, BP4, BP7

GeneDx
Classification: Benign. Last evaluated: 2017-01-12. Review status: criteria provided, single submitter. Criteria: GeneDx Variant Classification (06012015). Collection method: clinical testing. Allele origin: germline. Affected: yes.
Comment: This variant is considered likely benign or benign based on one or more of the following criteria: it is a conservative change, it occurs at a poorly conserved position in the protein, it is predicted to be benign by multiple in silico algorithms, and/or has population frequency not consistent with disease.

Laboratory for Molecular Medicine, Mass General Brigham Personalized Medicine
Classification: Benign. Last evaluated: 2014-11-24. Review status: criteria provided, single submitter. Criteria: LMM Criteria. Collection method: clinical testing. Allele origin: germline. Observed: 1 variant allele.
Comment: Thr404Thr in exon 9 of PRDM16: This variant is not expected to have clinical sig nificance because it does not alter an amino acid residue and is not located wit hin the splice consensus sequence. It has been identified in 0.5% (46/8580) of E uropean American chromosomes from a broad population by the NHLBI Exome Sequenci ng Project (dbSNP rs139129844).

Clinical Genetics DNA and cytogenetics Diagnostics Lab, Erasmus MC, Erasmus Medical Center
Classification: Likely benign. Review status: no assertion criteria provided. Collection method: clinical testing. Allele origin: germline. Affected: yes. Study: VKGL Data-share Consensus. Not counted in ClinVar's aggregate classification.

Clinical Genetics, Academic Medical Center
Classification: Benign. Review status: no assertion criteria provided. Collection method: clinical testing. Allele origin: germline. Affected: yes. Study: VKGL Data-share Consensus. Not counted in ClinVar's aggregate classification.

Joint Genome Diagnostic Labs from Nijmegen and Maastricht, Radboudumc and MUMC+
Classification: Benign. Review status: no assertion criteria provided. Collection method: clinical testing. Allele origin: germline. Affected: yes. Study: VKGL Data-share Consensus. Not counted in ClinVar's aggregate classification.

NM_022114.4(PRDM16):c.1212G>A (p.Thr404=)

Gene: PRDM16 (PR/SET domain 16; plus strand). Cytogenetic location: 1p36.32.
Variant type: single nucleotide variant.
Coding change: c.1212G>A on transcript NM_022114.4 (MANE Select); coding-DNA position 1212, G replaced by A.
Protein change: p.Thr404=; no amino-acid change (threonine 404 retained).
Molecular consequence: synonymous variant.
Genome position (GRCh38, 1-based): chr1:3,411,409, G>A. VCF-style: chr1-3411409-G-A. GRCh37 (hg19) VCF-style: chr1-3327973-G-A.
Other names: p.Thr404=; c.1212G>A, p.Thr404= (NM_199454.3).
Identifiers: ClinVar variation 227023 (VCV000227023.49), dbSNP rs139129844, ClinGen allele CA544143.